The following is an entry in ClinVar:

NM_000090.4(COL3A1):c.3201+8C>A

Gene: COL3A1 (collagen type III alpha 1 chain; plus strand). Cytogenetic location: 2q32.2.
Variant type: single nucleotide variant.
Coding change: c.3201+8C>A on transcript NM_000090.4 (MANE Select); 8 bases into the intron after coding-DNA position 3201, C replaced by A.
Molecular consequence: intron variant.
Genome position (GRCh38, 1-based): chr2:189,006,460, C>A. VCF-style: chr2-189006460-C-A. GRCh37 (hg19) VCF-style: chr2-189871186-C-A.
Identifiers: ClinVar variation 385170 (VCV000385170.4), dbSNP rs765137525, ClinGen allele CA075916.

ClinVar aggregate classification (germline): Likely benign. Review status: criteria provided, multiple submitters, no conflicts (2 of 4 stars). 2 submissions from 2 submitters: Likely benign (2). Last evaluated 2021-10-04.

Conditions:
Ehlers-Danlos syndrome (EDS). Identifiers: Orphanet 98249, MedGen C0013720, MONDO:0020066.

Allele frequency attached by ClinVar (database versions not stated): gnomAD exomes below 0.00001; ExAC 0.00001.
gnomAD v4.1: 8 of 1,612,374 alleles (0.0005%); highest among the groups gnomAD compares: South Asian, 0.0066%; no homozygotes.

Submissions (2):

Genome Diagnostics Laboratory, The Hospital for Sick Children
Classification: Likely benign for Ehlers-Danlos syndrome. Last evaluated: 2021-10-04. Review status: criteria provided, single submitter. Criteria: ACMG Guidelines, 2015. Collection method: clinical testing. Allele origin: germline.

GeneDx
Classification: Likely benign. Last evaluated: 2016-03-29. Review status: criteria provided, single submitter. Criteria: GeneDx Variant Classification (06012015). Collection method: clinical testing. Allele origin: germline. Affected: yes.
Comment: This variant is considered likely benign or benign based on one or more of the following criteria: it is a conservative change, it occurs at a poorly conserved position in the protein, it is predicted to be benign by multiple in silico algorithms, and/or has population frequency not consistent with disease.